The following is an entry in ClinVar:

ClinVar aggregate classification (germline): Benign. Review status: criteria provided, multiple submitters, no conflicts (2 of 4 stars). 3 submissions from 2 submitters: Benign (3). Last evaluated 2018-01-12.

Conditions:
Severe early-childhood-onset retinal dystrophy (STGD1). Also called: STGD; Stargardt macular dystrophy; Juvenile onset macular degeneration; Stargardt disease 1; MACULAR DYSTROPHY WITH FLECKS, TYPE 1. Identifiers: Orphanet 364055, Orphanet 827, MedGen C1855465, MeSH D000080362, MONDO:0009549, OMIM 248200.
Achromatopsia 3 (ACHM3). Also called: PINGELAPESE BLINDNESS; TOTAL COLORBLINDNESS WITH MYOPIA; ROD MONOCHROMACY 1; ROD MONOCHROMATISM 1; ACHROMATOPSIA WITH MYOPIA. Identifiers: Orphanet 49382, MedGen C1849792, MONDO:0009875, OMIM 262300.

Allele frequency attached by ClinVar (database versions not stated): TOPMed 0.04436; 1000 Genomes Project 0.04473; 1000 Genomes Project 30x 0.04763.

Submissions (3):

Illumina Laboratory Services, Illumina
Classification: Benign for Achromatopsia 3. Last evaluated: 2018-01-12. Review status: criteria provided, single submitter. Criteria: ICSL Variant Classification Criteria 13 December 2019. Collection method: clinical testing. Allele origin: germline.
Comment: This variant was observed in the ICSL laboratory as part of a predisposition screen in an ostensibly healthy population. It had not been previously curated by ICSL or reported in the Human Gene Mutation Database (HGMD: prior to June 1st, 2018), and was therefore a candidate for classification through an automated scoring system. Utilizing variant allele frequency, disease prevalence and penetrance estimates, and inheritance mode, an automated score was calculated to assess if this variant is too frequent to cause the disease. Based on the score and internal cut-off values, a variant classified as benign is not then subjected to further curation. The score for this variant resulted in a classification of benign for this disease.

Illumina Laboratory Services, Illumina
Classification: Benign for Severe early-childhood-onset retinal dystrophy. Last evaluated: 2018-01-12. Review status: criteria provided, single submitter. Criteria: ICSL Variant Classification Criteria 13 December 2019. Collection method: clinical testing. Allele origin: germline.
Comment: the same text as in the submission from Illumina Laboratory Services, Illumina above.

Breakthrough Genomics
Classification: Benign. Review status: criteria provided, single submitter. Criteria: ACMG Guidelines, 2015. Collection method: not provided. Allele origin: germline. Inheritance: Autosomal recessive inheritance. Affected: yes.

NM_019098.5(CNGB3):c.*735A>G

Gene: CNGB3 (cyclic nucleotide gated channel subunit beta 3; minus strand). Cytogenetic location: 8q21.3.
Variant type: single nucleotide variant.
Coding change: c.*735A>G on transcript NM_019098.5 (MANE Select); 735 bases downstream of the stop codon, A replaced by G.
Molecular consequence: 3 prime UTR variant.
Genome position (GRCh38, 1-based): chr8:86,575,069, T>C on the plus strand (A>G on the coding strand, the complement: CNGB3 is on the minus strand). VCF-style: chr8-86575069-T-C. GRCh37 (hg19) VCF-style: chr8-87587297-T-C.
Identifiers: ClinVar variation 363856 (VCV000363856.6), dbSNP rs73269601, ClinGen allele CA10631683.
Genomic context (GRCh38, chr8:86,575,069, plus strand): 5'-GTGTCACTTTAGCCTGTATCCTCCAGTCCAAGTCCCTTGAGCCAGATGAGTTAGGTAGAT[T>C]GGTGTCTTTTAAGTTGGTTAGAAGAGAAAATATTGAAGTTTATTTCTTTAGTAAAGGGTA-3'